The following is an entry in ClinVar:

ClinVar aggregate classification (germline): Pathogenic. Review status: reviewed by expert panel (3 of 4 stars). 19 submissions from 19 submitters: Pathogenic (1). 18 of the submissions do not count toward it. Last evaluated 2016-09-08.

Conditions:
BRCA2-related cancer predisposition. Identifiers: MedGen CN377758, MONDO:0700269.
Inherited ovarian cancer (without breast cancer).
Hereditary cancer-predisposing syndrome. Also called: Hereditary Cancer Syndrome; Tumor predisposition; Neoplastic Syndromes, Hereditary; Hereditary neoplastic syndrome. Identifiers: Orphanet 140162, MedGen C0027672, MeSH D009386, MONDO:0015356.
Hereditary breast ovarian cancer syndrome. Also called: Breast and ovarian cancer; BRCA1- and BRCA2-Associated Hereditary Breast and Ovarian Cancer; Hereditary breast and ovarian cancer; Hereditary breast and ovarian cancer syndrome (HBOC); Hereditary breast and ovarian cancer syndrome; Hereditary breast and/or ovarian cancer syndrome. Identifiers: Orphanet 145, MedGen C0677776, MeSH D061325, MONDO:0003582. Disease mechanism: loss of function.
Breast-ovarian cancer, familial, susceptibility to, 2 (BROVCA2). Also called: BRCA2 Hereditary Breast and Ovarian Cancer. Identifiers: Orphanet 145, MedGen C2675520, MONDO:0012933, OMIM 612555. Disease mechanism: loss of function.
Familial cancer of breast. Also called: BREAST CANCER, FAMILIAL; hereditary breast carcinoma; Hereditary breast cancer. Identifiers: Orphanet 227535, MedGen C0346153, MONDO:0016419, OMIM 114480. Disease mechanism: loss of function.

Submissions 1 to 8 of 19:

Evidence-based Network for the Interpretation of Germline Mutant Alleles (ENIGMA)
Classification: Pathogenic for Breast-ovarian cancer, familial, susceptibility to, 2. Last evaluated: 2016-09-08. Review status: reviewed by expert panel. Criteria: ENIGMA BRCA1/2 Classification Criteria (2015). Collection method: curation. Allele origin: germline.
Comment: Variant allele predicted to encode a truncated non-functional protein.

Genetics Laboratory, Great Ormond Street Hospital NHS Foundation Trust, North Thames Genomic Laboratory Hub
Classification: Pathogenic for Inherited ovarian cancer (without breast cancer). Last evaluated: 2025-11-18. Review status: criteria provided, single submitter. Criteria: CanVIG BRCA Gene Specific V1.22. Collection method: clinical testing. Allele origin: germline. Affected: yes. Not counted in ClinVar's aggregate classification.
Comment: PVS1_very-strong, PM5_strong

Dasa
Classification: Pathogenic for BRCA2-related cancer predisposition. Last evaluated: 2025-11-12. Review status: criteria provided, single submitter. Criteria: DASA Assertion Criteria. Collection method: clinical testing. Allele origin: germline. Not counted in ClinVar's aggregate classification.
Comment: NM_000059.4(BRCA2):c.4829_4830del (p.Val1610Glyfs*4) is a frameshift variant in BRCA2 predicted to alter the reading frame and introduce a premature termination codon and is predicted to result in an absent or altered protein product. Loss of function is an established disease mechanism for BRCA2 (PMID: 16199546; PMID: 17063271; PMID: 25632310). The affected residue or protein region has prior evidence supporting clinical relevance. Also, this variant is rare in population databases. Based on the currently available evidence, this variant is classified as pathogenic.

Labcorp Genetics (formerly Invitae), Labcorp
Classification: Pathogenic for Hereditary breast ovarian cancer syndrome. Last evaluated: 2025-11-12. Review status: criteria provided, single submitter. Criteria: Invitae Variant Classification Sherloc (09022015). Collection method: clinical testing. Allele origin: germline. Not counted in ClinVar's aggregate classification.
Comment: This sequence change creates a premature translational stop signal (p.Val1610Glyfs*4) in the BRCA2 gene. It is expected to result in an absent or disrupted protein product. Loss-of-function variants in BRCA2 are known to be pathogenic (PMID: 20104584). This variant is present in population databases (rs777265639, gnomAD 0.01%). This premature translational stop signal has been observed in individual(s) with hereditary breast and ovarian cancer (PMID: 16455195, 21559243, 21607582, 25476495). ClinVar contains an entry for this variant (Variation ID: 51721). For these reasons, this variant has been classified as Pathogenic.

GeneDx
Classification: Pathogenic. Last evaluated: 2025-08-27. Review status: criteria provided, single submitter. Criteria: GeneDx Variant Classification Process June 2021. Collection method: clinical testing. Allele origin: germline. Affected: yes. Not counted in ClinVar's aggregate classification.
Comment: Frameshift variant predicted to result in protein truncation or nonsense mediated decay in a gene for which loss of function is a known mechanism of disease; Observed in individuals with a personal or family history consistent with pathogenic variants in this gene (PMID: 12181777, 16998791, 16455195, 22798144, 25476495, 25863477, 27425403, 30014164, 30535581, 29506128); Not observed at significant frequency in large population cohorts (gnomAD); Truncating variants in this gene are considered pathogenic by a well-established clinical consortium and/or database; Also known as 5057_5058delTG or 5055_5056delTG; This variant is associated with the following publications: (PMID: 21607582, 12181777, 27425403, 16455195, 21559243, 16998791, 25476495, 22798144, 25863477, 26187060, 26687385, 22340495, 26295337, 29346284, 29506128, 30014164, 30787465, 28873162, 30535581, 34645131, 29161300, 29922827, 28888541, 30720243, 29907814)

Ambry Genetics
Classification: Pathogenic for Hereditary cancer-predisposing syndrome. Last evaluated: 2025-07-06. Review status: criteria provided, single submitter. Criteria: Ambry Variant Classification Scheme 2023. Collection method: clinical testing. Allele origin: germline. Not counted in ClinVar's aggregate classification.
Comment: The c.4829_4830delTG pathogenic mutation, located in coding exon 10 of the BRCA2 gene, results from a deletion of two nucleotides at nucleotide positions 4829 to 4830, causing a translational frameshift with a predicted alternate stop codon (p.V1610Gfs*4). This mutation has been reported in multiple breast and/or ovarian cancer families to date (Ahn SH et al. Cancer Lett. 2007 Jan 8;245(1-2):90-5; Faroog A et al. J. Oncol. 2011 Mar;2011:632870; Kim H et al. Breast Cancer Res. Treat. 2012 Aug;134(3):1315-26), including multiple cohorts in Brazil (Alemar B et al. Cancer Genet. 2016 Sep;209(9):417-422; Alemar B et al. PLoS ONE. 2017 Nov;12:e0187630; Palmero EI et al. Sci Rep. 2018 Jun;8:9188; Cipriano NM et al. Breast Cancer. 2019 May;26:397-405). In one cohort of individuals undergoing BRCA1/2 testing at a commercial laboratory, approximately 40% of individuals with the c.4829_4830delTG mutation reported partial or full Ashkenazi Jewish ancestry (Rosenthal E et al. Breast Cancer Res. Treat. 2015 Jan;149(1):223-7), and in another study, this alteration was reported in both Ashkenazi and non-Ashkenazi Jewish breast cancer patients (Barnes-Kedar I et al. Breast Cancer Res. Treat. 2018 Nov;172:151-157). This alteration was reported in an individual diagnosed with pancreatic cancer (Lowery MA et al. J. Natl. Cancer Inst. 2018 Oct;110:1067-1074). This alteration was also identified in a large, worldwide study of BRCA1/2 mutation positive families (Rebbeck TR et al. Hum. Mutat. 2018 05;39:593-620). Of note, this alteration is also designated as 5057delTG in published literature. In addition to the clinical data presented in the literature, this alteration is expected to result in loss of function by premature protein truncation or nonsense-mediated mRNA decay. As such, this alteration is interpreted as a disease-causing mutation.

GeneKor MSA
Classification: Pathogenic for Hereditary breast ovarian cancer syndrome. Last evaluated: 2025-05-15. Review status: criteria provided, single submitter. Criteria: ACMG Guidelines, 2015. Collection method: clinical testing. Allele origin: germline. Not counted in ClinVar's aggregate classification.
Comment: This variant is a deletion of 2 nucleotides in exon 11 of the BRCA2 mRNA c.(4829_4830delTG), causing a frameshift after codon 1610 and the creation of a premature translation stop signal 4 amino acid residues later p.(Val1610Glyfs*4). This is expected to result in an absent or disrupted protein product. Truncating variants in the BRCA2 gene are known to be pathogenic (PMID:20104584). This variant is present in population databases (rs80359468), therefore it has been observed in individuals affected with breast and/or ovarian cancer (PMID:30535581). ClinVar contains entries for this variant where is listed as pathogenic (VCV000051721.52). Based on the classification criteria set by the ACMG and AMP (PMID:25741868), this variant has been classified as pathogenic.

Quest Diagnostics Nichols Institute San Juan Capistrano
Classification: Pathogenic. Last evaluated: 2024-12-16. Review status: criteria provided, single submitter. Criteria: Quest Diagnostics criteria. Collection method: clinical testing. Allele origin: unknown. Not counted in ClinVar's aggregate classification.
Comment: The BRCA2 c.4829_4830del (p.Val1610Glyfs*4) variant alters the translational reading frame of the BRCA2 mRNA and causes the premature termination of BRCA2 protein synthesis. This variant has been reported in the published literature in individuals with breast and/or ovarian cancer (PMIDs: 30720243 (2019), 30535581 (2019), 30014164 (2018), 29907814 (2018), 29506128 (2018), 29446198 (2018), 29161300 (2017), 25476495 (2015), 22798144 (2012), 21559243 (2011), 16455195 (2007)) and individuals with pancreatic cancer (PMIDs: 38147532 (2024), 29506128 (2018)). The frequency of this variant in the general population (Genome Aggregation Database) is consistent with pathogenicity. Based on the available information, this variant is classified as pathogenic.

NM_000059.4(BRCA2):c.4829_4830del (p.Val1610fs)

Gene: BRCA2 (BRCA2 DNA repair associated; plus strand). Cytogenetic location: 13q13.1.
Variant type: Microsatellite.
Coding change: c.4829_4830del on transcript NM_000059.4 (MANE Select); coding-DNA positions 4829 to 4830, 2 bases deleted (TG; older notation c.4829_4830delTG).
Protein change: p.Val1610fs; shifts the reading frame from valine 1610.
Molecular consequence: frameshift variant.
Genome position (GRCh38, 1-based): chr13:32,339,184-32,339,185, TG deleted; deleting any 2 consecutive bases within chr13:32,339,182-32,339,185 gives the same sequence; the c. name uses the placement nearest the transcript's 3' end. VCF-style (leftmost placement, unchanged base first): chr13-32339181-CTG-C. GRCh37 (hg19) VCF-style: chr13-32913318-CTG-C.
Other names: 5057delTG; c.4829_4830delTG (NM_000059.3); short protein forms V1610fs.
Identifiers: ClinVar variation 51721 (VCV000051721.68), dbSNP rs80359468, ClinGen allele CA020883.